The following is an entry in ClinVar:

NM_015205.3(ATP11A):c.476C>T (p.Thr159Ile)

Gene: ATP11A (ATPase phospholipid transporting 11A; plus strand). Cytogenetic location: 13q34.
Variant type: single nucleotide variant.
Coding change: c.476C>T on transcript NM_015205.3 (MANE Select); coding-DNA position 476, C replaced by T.
Protein change: p.Thr159Ile; replaces threonine 159 with isoleucine.
Molecular consequence: missense variant.
Genome position (GRCh38, 1-based): chr13:112,816,117, C>T. VCF-style: chr13-112816117-C-T. GRCh37 (hg19) VCF-style: chr13-113470431-C-T.
Other names: c.476C>T, p.Thr159Ile (NM_001405661.1, NM_001405662.1, NM_001405663.1 and 1 more transcripts); short protein forms T159I.
Identifiers: ClinVar variation 3969191 (VCV003969191.2).

ClinVar aggregate classification (germline): Conflicting classifications of pathogenicity. Review status: criteria provided, conflicting classifications (1 of 4 stars). 2 submissions from 2 submitters: Uncertain significance (1); Likely benign (1). Last evaluated 2025-05-23.

Conditions:
ATP11A-related disorder. Also called: ATP11A-related condition.
Inborn genetic diseases. Identifiers: MedGen C0950123, MeSH D030342.

gnomAD v4.1: 190 of 1,614,190 alleles (0.012%); highest among the groups gnomAD compares: South Asian, 0.2%; 2 homozygotes.

Submissions (2):

Ambry Genetics
Classification: Uncertain significance for Inborn genetic diseases. Last evaluated: 2025-05-23. Review status: criteria provided, single submitter. Criteria: Ambry Variant Classification Scheme 2023. Collection method: clinical testing. Allele origin: germline.

PreventionGenetics, part of Exact Sciences
Classification: Likely benign for ATP11A-related condition. Last evaluated: 2024-10-23. Review status: criteria provided, single submitter. Criteria: ACMG Guidelines, 2015. Collection method: clinical testing. Allele origin: germline.
Comment: This variant is classified as likely benign based on ACMG/AMP sequence variant interpretation guidelines (Richards et al. 2015 PMID: 25741868, with internal and published modifications).